The following is an entry in ClinVar:

ClinVar aggregate classification (germline): Likely benign. Review status: criteria provided, multiple submitters, no conflicts (2 of 4 stars). 3 submissions from 3 submitters: Likely benign (3). Last evaluated 2023-12-29.

Allele frequency attached by ClinVar (database versions not stated): ESP Exome Variant Server 0.00008; ExAC 0.00009.
gnomAD v4.1: 54 of 1,614,116 alleles (0.0033%); highest among the groups gnomAD compares: South Asian, 0.048%; no homozygotes.

Submissions (3):

Blueprint Genetics
Classification: Likely benign. Last evaluated: 2023-12-29. Review status: criteria provided, single submitter. Criteria: ACMG Guidelines, 2015. Collection method: clinical testing. Allele origin: germline.

CeGaT Center for Human Genetics Tuebingen
Classification: Likely benign. Last evaluated: 2023-01-01. Review status: criteria provided, single submitter. Criteria: CeGaT Center For Human Genetics Tuebingen Variant Classification Criteria Version 2. Collection method: clinical testing. Allele origin: germline. Affected: yes. Observed: 1 variant allele.
Comment: NDE1: BP4, BP7

Labcorp Genetics (formerly Invitae), Labcorp
Classification: Likely benign. Last evaluated: 2022-01-19. Review status: criteria provided, single submitter. Criteria: Invitae Variant Classification Sherloc (09022015). Collection method: clinical testing. Allele origin: germline.

NM_017668.3(NDE1):c.96G>A (p.Thr32=)

Gene: NDE1 (nudE neurodevelopment protein 1; plus strand). Cytogenetic location: 16p13.11.
Variant type: single nucleotide variant.
Coding change: c.96G>A on transcript NM_017668.3 (MANE Select); coding-DNA position 96, G replaced by A.
Protein change: p.Thr32=; no amino-acid change (threonine 32 retained).
Molecular consequence: synonymous variant.
Genome position (GRCh38, 1-based): chr16:15,667,298, G>A. VCF-style: chr16-15667298-G-A. GRCh37 (hg19) VCF-style: chr16-15761155-G-A.
Other names: c.96G>A, p.Thr32= (NM_001143979.2).
Identifiers: ClinVar variation 1933507 (VCV001933507.30), dbSNP rs377636369, ClinGen allele CA7920500.